The following is an entry in ClinVar:

NM_001387274.1(DCDC1):c.5097C>A (p.Cys1699Ter)

Gene: DCDC1 (doublecortin domain containing 1; minus strand). Cytogenetic location: 11p14.1.
Variant type: single nucleotide variant.
Coding change: c.5097C>A on transcript NM_001387274.1 (MANE Select); coding-DNA position 5097, C replaced by A.
Protein change: p.Cys1699Ter; replaces cysteine 1699 with a stop codon.
Molecular consequence: nonsense.
Genome position (GRCh38, 1-based): chr11:30,881,294, G>T on the plus strand (C>A on the coding strand, the complement: DCDC1 is on the minus strand). VCF-style: chr11-30881294-G-T. GRCh37 (hg19) VCF-style: chr11-30902841-G-T.
Other names: c.5088C>A, p.Cys1696Ter (NM_001367979.1); c.1842C>A, p.Cys614Ter (NM_001387275.1); c.2409C>A, p.Cys803Ter (NM_020869.4); short protein forms C1696*, C1699*, C614*, C803*.
Identifiers: ClinVar variation 3256951 (VCV003256951.1).
Genomic context (GRCh38, chr11:30,881,294, plus strand): 5'-TGGCTCTCCACTGGGGGTGTACAGTGCTCTAGCTGGGTGGGTCATTTTGAGACGAGAGGA[G>T]CAGTCTTGCAGCAGCTGAGACACAGAGGGACAGCCACATTTGAATACGGAATGGCACAAT-3'

ClinVar aggregate classification (germline): Likely pathogenic (1 of 4 stars; one submission).

Conditions:
Susceptibility to severe COVID-19.

gnomAD v4.1: 2 of 1,613,182 alleles (0.00012%); highest among the groups gnomAD compares: Non-Finnish European, 0.00017%; no homozygotes.

Submission:

Molecular Medicine Center, Medical University of Sofia
Classification: Likely pathogenic for Susceptibility to severe COVID-19. Last evaluated: 2024-07-22. Review status: criteria provided, single submitter. Criteria: ACMG Guidelines, 2015. Collection method: research. Allele origin: germline. Affected: yes.
Comment: Novel (unreported in gnomAD or dbSNP until April 2024) variant found in severely infected COVID-19 Bulgarian patients in a research study. Variant is classified as likely pathogenic according to the ACMG criteria: PM2,PVS1.